The following is an entry in ClinVar:

NM_000238.4(KCNH2):c.1129-9C>T

Gene: KCNH2 (potassium voltage-gated channel subfamily H member 2; minus strand). Cytogenetic location: 7q36.1.
Variant type: single nucleotide variant.
Coding change: c.1129-9C>T on transcript NM_000238.4 (MANE Select); 9 bases into the intron before coding-DNA position 1129, C replaced by T.
Molecular consequence: intron variant.
Genome position (GRCh38, 1-based): chr7:150,952,862, G>A on the plus strand (C>T on the coding strand, the complement: KCNH2 is on the minus strand). VCF-style: chr7-150952862-G-A. GRCh37 (hg19) VCF-style: chr7-150649950-G-A.
Other names: c.841-9C>T (NM_001406753.1, NM_001406756.1); c.109-9C>T (NM_172057.3, NM_001204798.2); c.1129-9C>T (NM_172056.3); c.952-9C>T (NM_001406755.1); c.829-9C>T (NM_001406757.1).
Identifiers: ClinVar variation 696516 (VCV000696516.17), dbSNP rs372184728, ClinGen allele CA027220.

ClinVar aggregate classification (germline): Likely benign. Review status: criteria provided, multiple submitters, no conflicts (2 of 4 stars). 4 submissions from 4 submitters: Likely benign (4). Last evaluated 2026-02-03.

Conditions:
Cardiac arrhythmia. Also called: Cardiac rhythm disease; Arrhythmia. Identifiers: MedGen C0003811, MONDO:0007263, HP:0011675.
Long QT syndrome (LQTS). Identifiers: MedGen C0023976, MeSH D008133, MONDO:0002442. Disease mechanism: loss of function. Inheritance: Various modes of inheritance.

Allele frequency attached by ClinVar (database versions not stated): TOPMed 0.00003; gnomAD 0.00005; ExAC 0.00006; gnomAD exomes 0.00006 and 0.00007; ESP Exome Variant Server 0.00008.
gnomAD v4.1: 112 of 1,611,286 alleles (0.007%); highest among the groups gnomAD compares: Non-Finnish European, 0.008%; no homozygotes.

Submissions (4):

Labcorp Genetics (formerly Invitae), Labcorp
Classification: Likely benign for Long QT syndrome. Last evaluated: 2026-02-03. Review status: criteria provided, single submitter. Criteria: Invitae Variant Classification Sherloc (09022015). Collection method: clinical testing. Allele origin: germline.

All of Us Research Program, National Institutes of Health
Classification: Likely benign for Long QT syndrome. Last evaluated: 2023-12-13. Review status: criteria provided, single submitter. Criteria: ACMG Guidelines, 2015. Collection method: clinical testing. Allele origin: germline. Inheritance: Autosomal dominant inheritance. Observed: 6 variant alleles, 6 heterozygotes.
Comment: This study involves interpretation of variants in research participants for the purpose of population health screening. Participant phenotype was not available at the time of variant classification. Additional details can be found in publication PMID: 35346344, PMCID: PMC8962531

Blueprint Genetics
Classification: Likely benign. Last evaluated: 2023-06-29. Review status: criteria provided, single submitter. Criteria: ACMG Guidelines, 2015. Collection method: clinical testing. Allele origin: germline.

Color Diagnostics, LLC DBA Color Health
Classification: Likely benign for Arrhythmia. Last evaluated: 2018-11-23. Review status: criteria provided, single submitter. Criteria: ACMG Guidelines, 2015. Collection method: clinical testing. Allele origin: germline.